The following is an entry in ClinVar:

ClinVar aggregate classification (germline): Likely pathogenic (1 of 4 stars; one submission).

Conditions:
Nemaline myopathy 2 (NEM2). Also called: Nemaline myopathy 2, autosomal recessive. Identifiers: MedGen C1850569, MONDO:0009725, OMIM 256030.

Submission:

Natera, Inc.
Classification: Likely pathogenic for Nemaline myopathy type 2. Last evaluated: 2024-04-05. Review status: criteria provided, single submitter. Criteria: Natera Variant Classification Schema (03/2026). Collection method: clinical testing. Allele origin: germline.
Comment: The c.21001_21028delAAATACAAGGAGAACTACATGAGCCAGT variant in NEB is a frameshift variant predicted to shift the reading frame beginning at codon 7001 and leads to a stop codon 26 codons downstream. This variant is expected to result in nonsense mediated decay, truncation, or a dysfunctional protein product. This variant is rare in the general population with a frequency below the threshold expected for the associated phenotype(s). Given the available evidence, this variant is classified as Likely Pathogenic.

NM_001164508.2(NEB):c.21001_21028del (p.Lys7001fs)

Gene: NEB (nebulin; minus strand). Cytogenetic location: 2q23.3.
Variant type: Deletion.
Coding change: c.21001_21028del on transcript NM_001164508.2 (MANE Select); coding-DNA positions 21001 to 21028, 28 bases deleted (AAATACAAGGAGAACTACATGAGCCAGT).
Protein change: p.Lys7001fs; shifts the reading frame from lysine 7001.
Molecular consequence: frameshift variant.
Genome position (GRCh38, 1-based): chr2:151,537,946-151,537,973, ACTGGCTCATGTAGTTCTCCTTGTATTT deleted on the plus strand (AAATACAAGGAGAACTACATGAGCCAGT on the coding strand, the reverse complement: NEB is on the minus strand). VCF-style (leftmost placement, unchanged base first): chr2-151537945-AACTGGCTCATGTAGTTCTCCTTGTATTT-A. GRCh37 (hg19) VCF-style: chr2-152394459-AACTGGCTCATGTAGTTCTCCTTGTATTT-A.
Other names: c.21001_21028delAAATACAAGGAGAACTACATGAGCCAGT (NM_001271208.1); c.21001_21028del, p.Lys7001fs (NM_001164507.2, NM_001271208.2); c.15898_15925del, p.Lys5300fs (NM_004543.5); short protein forms K5300fs, K7001fs.
Identifiers: ClinVar variation 4814750 (VCV004814750.1).